The following is an entry in ClinVar:

ClinVar aggregate classification (germline): Uncertain significance (1 of 4 stars; one submission).

Submission:

Labcorp Genetics (formerly Invitae), Labcorp
Classification: Uncertain significance. Last evaluated: 2022-03-12. Review status: criteria provided, single submitter. Criteria: Invitae Variant Classification Sherloc (09022015). Collection method: clinical testing. Allele origin: germline.
Comment: Algorithms developed to predict the effect of sequence changes on RNA splicing suggest that this variant may disrupt the consensus splice site. In summary, the available evidence is currently insufficient to determine the role of this variant in disease. Therefore, it has been classified as a Variant of Uncertain Significance. This variant has not been reported in the literature in individuals affected with ERCC6-related conditions. This variant is present in population databases (rs766614166, gnomAD 0.0009%). This sequence change falls in intron 20 of the ERCC6 gene. It does not directly change the encoded amino acid sequence of the ERCC6 protein.

NM_000124.4(ERCC6):c.4063-10_4063-8del

Gene: ERCC6 (ERCC excision repair 6, chromatin remodeling factor; minus strand). Cytogenetic location: 10q11.23.
Variant type: Microsatellite.
Coding change: c.4063-10_4063-8del on transcript NM_000124.4 (MANE Select); 10 bases into the intron before coding-DNA position 4063 through 8 bases into the intron before coding-DNA position 4063, 3 bases deleted (CTT; older notation c.4063-10_4063-8delCTT).
Molecular consequence: intron variant.
Genome position (GRCh38, 1-based): chr10:49,459,242-49,459,244, AAG deleted on the plus strand (CTT on the coding strand, the reverse complement: ERCC6 is on the minus strand); deleting any 3 consecutive bases within chr10:49,459,242-49,459,248 gives the same sequence; the c. name uses the placement nearest the transcript's 3' end. VCF-style (leftmost placement, unchanged base first): chr10-49459241-AAAG-A. GRCh37 (hg19) VCF-style: chr10-50667287-AAAG-A.
Other names: c.4063-10_4063-8del (NM_001346440.2).
Identifiers: ClinVar variation 2109657 (VCV002109657.4), dbSNP rs766614166, ClinGen allele CA5495186.